The following is an entry in ClinVar:

ClinVar aggregate classification (germline): Conflicting classifications of pathogenicity. Review status: criteria provided, conflicting classifications (1 of 4 stars). 5 submissions from 5 submitters: Uncertain significance (2); Benign (1); Likely benign (2). Last evaluated 2026-05-01.

Conditions:
Emery-Dreifuss muscular dystrophy 5, autosomal dominant (EDMD5). Also called: EMERY-DREIFUSS MUSCULAR DYSTROPHY 5. Identifiers: Orphanet 261, MedGen C2751805, MONDO:0013072, OMIM 612999.

Allele frequency attached by ClinVar (database versions not stated): gnomAD 0.00022 and 0.00023; ExAC 0.00023; gnomAD exomes 0.00024; TOPMed 0.00026; ESP Exome Variant Server 0.00051.
gnomAD v4.1: 392 of 1,613,790 alleles (0.024%); highest among the groups gnomAD compares: Non-Finnish European, 0.03%; no homozygotes.

Submissions (5):

CeGaT Center for Human Genetics Tuebingen
Classification: Likely benign. Last evaluated: 2026-05-01. Review status: criteria provided, single submitter. Criteria: CeGaT Center For Human Genetics Tuebingen Variant Classification Criteria Version 2. Collection method: clinical testing. Allele origin: germline. Affected: yes. Observed: 2 variant alleles.
Comment: SYNE2: BP4, BS2

Labcorp Genetics (formerly Invitae), Labcorp
Classification: Uncertain significance for Emery-Dreifuss muscular dystrophy 5, autosomal dominant. Last evaluated: 2025-09-10. Review status: criteria provided, single submitter. Criteria: Invitae Variant Classification Sherloc (09022015). Collection method: clinical testing. Allele origin: germline.
Comment: This sequence change replaces glutamic acid, which is acidic and polar, with lysine, which is basic and polar, at codon 2570 of the SYNE2 protein (p.Glu2570Lys). This variant is present in population databases (rs376507352, gnomAD 0.04%), and has an allele count higher than expected for a pathogenic variant. This variant has not been reported in the literature in individuals affected with SYNE2-related conditions. ClinVar contains an entry for this variant (Variation ID: 538323). An algorithm developed to predict the effect of missense changes on protein structure and function (PolyPhen-2) suggests that this variant is likely to be disruptive. In summary, the available evidence is currently insufficient to determine the role of this variant in disease. Therefore, it has been classified as a Variant of Uncertain Significance.

Ambry Genetics
Classification: Uncertain significance. Last evaluated: 2024-12-10. Review status: criteria provided, single submitter. Criteria: Ambry Variant Classification Scheme 2023. Collection method: clinical testing. Allele origin: germline.

Revvity Omics, Revvity
Classification: Likely benign for Emery-Dreifuss muscular dystrophy 5, autosomal dominant. Last evaluated: 2024-08-09. Review status: criteria provided, single submitter. Criteria: ACMG Guidelines, 2015. Collection method: clinical testing. Allele origin: germline.

Illumina Laboratory Services, Illumina
Classification: Benign for Emery-Dreifuss muscular dystrophy 5, autosomal dominant. Last evaluated: 2018-01-12. Review status: criteria provided, single submitter. Criteria: ICSL Variant Classification Criteria 13 December 2019. Collection method: clinical testing. Allele origin: germline.
Comment: This variant was observed in the ICSL laboratory as part of a predisposition screen in an ostensibly healthy population. It had not been previously curated by ICSL or reported in the Human Gene Mutation Database (HGMD: prior to June 1st, 2018), and was therefore a candidate for classification through an automated scoring system. Utilizing variant allele frequency, disease prevalence and penetrance estimates, and inheritance mode, an automated score was calculated to assess if this variant is too frequent to cause the disease. Based on the score and internal cut-off values, a variant classified as benign is not then subjected to further curation. The score for this variant resulted in a classification of benign for this disease.

NM_182914.3(SYNE2):c.7708G>A (p.Glu2570Lys)

Gene: SYNE2 (spectrin repeat containing nuclear envelope protein 2; plus strand). Cytogenetic location: 14q23.2.
Variant type: single nucleotide variant.
Coding change: c.7708G>A on transcript NM_182914.3 (MANE Select); coding-DNA position 7708, G replaced by A.
Protein change: p.Glu2570Lys; replaces glutamic acid 2570 with lysine.
Molecular consequence: missense variant.
Genome position (GRCh38, 1-based): chr14:64,051,621, G>A. VCF-style: chr14-64051621-G-A. GRCh37 (hg19) VCF-style: chr14-64518339-G-A.
Other names: c.7708G>A, p.Glu2570Lys (NM_015180.6); short protein forms E2570K.
Identifiers: ClinVar variation 538323 (VCV000538323.22), dbSNP rs376507352, ClinGen allele CA7221004.